The following is an entry in ClinVar:

NM_002739.5(PRKCG):c.-12G>T

Gene: PRKCG (protein kinase C gamma; plus strand). Cytogenetic location: 19q13.42.
Variant type: single nucleotide variant.
Coding change: c.-12G>T on transcript NM_002739.5 (MANE Select); 12 bases upstream of the start codon, G replaced by T.
Molecular consequence: 5 prime UTR variant.
Genome position (GRCh38, 1-based): chr19:53,882,483, G>T. VCF-style: chr19-53882483-G-T. GRCh37 (hg19) VCF-style: chr19-54385737-G-T.
Other names: c.-12G>T (NM_001316329.2).
Identifiers: ClinVar variation 2691281 (VCV002691281.1), dbSNP rs1236143173, ClinGen allele CA633905647.

ClinVar aggregate classification (germline): Uncertain significance (1 of 4 stars; one submission).

gnomAD v4.1: 1 of 1,611,750 alleles (0.000062%); highest among the groups gnomAD compares: Non-Finnish European, 0.000085%; no homozygotes.

Submission:

Women's Health and Genetics/Laboratory Corporation of America, LabCorp
Classification: Uncertain significance. Last evaluated: 2023-12-15. Review status: criteria provided, single submitter. Criteria: LabCorp Variant Classification Summary - May 2015. Collection method: clinical testing. Allele origin: germline.
Comment: Variant summary: PRKCG c.-12G>T is located in the untranslated mRNA region upstream of the initiation codon. The variant allele was found at a frequency of 4e-06 in 247800 control chromosomes (gnomAD). The available data on variant occurrences in the general population are insufficient to allow any conclusion about variant significance. To our knowledge, no occurrence of c.-12G>T in individuals affected with Spinocerebellar Ataxia 14 and no experimental evidence demonstrating its impact on protein function have been reported. No submitters have cited clinical-significance assessments for this variant to ClinVar after 2014. Based on the evidence outlined above, the variant was classified as uncertain significance.